The following is an entry in ClinVar:

ClinVar aggregate classification (germline): Conflicting classifications of pathogenicity. Review status: criteria provided, conflicting classifications (1 of 4 stars). 2 submissions from 2 submitters: Uncertain significance (1); Likely benign (1). Last evaluated 2024-10-16.

Allele frequency attached by ClinVar (database versions not stated): gnomAD 0.00005; TOPMed 0.00006.
gnomAD v4.1: 150 of 1,611,344 alleles (0.0093%); highest among the groups gnomAD compares: Admixed American, 0.017%; 1 homozygote.

Submissions (4):

Blueprint Genetics
Classification: Likely benign. Last evaluated: 2024-10-16. Review status: criteria provided, single submitter. Criteria: ACMG Guidelines, 2015. Collection method: clinical testing. Allele origin: germline.

Labcorp Genetics (formerly Invitae), Labcorp
Classification: Uncertain significance. Last evaluated: 2024-06-17. Review status: criteria provided, single submitter. Criteria: Invitae Variant Classification Sherloc (09022015). Collection method: clinical testing. Allele origin: germline.
Comment: This sequence change falls in intron 8 of the RTN4IP1 gene. It does not directly change the encoded amino acid sequence of the RTN4IP1 protein. It affects a nucleotide within the consensus splice site. This variant is present in population databases (rs752214513, gnomAD 0.02%), including at least one homozygous and/or hemizygous individual. This variant has not been reported in the literature in individuals affected with RTN4IP1-related conditions. ClinVar contains an entry for this variant (Variation ID: 1014331). Variants that disrupt the consensus splice site are a relatively common cause of aberrant splicing (PMID: 17576681, 9536098). Algorithms developed to predict the effect of sequence changes on RNA splicing suggest that this variant may disrupt the consensus splice site. In summary, the available evidence is currently insufficient to determine the role of this variant in disease. Therefore, it has been classified as a Variant of Uncertain Significance.

Dr. Peter K. Rogan Lab, Western University
No classification provided (evidence only). Condition: Colon adenocarcinoma. Review status: no classification provided. Collection method: in vitro. Allele origin: not applicable. Functional consequence: retained intron. Not counted in ClinVar's aggregate classification.

Dr. Peter K. Rogan Lab, Western University
No classification provided (evidence only). Condition: Familial pancreatic carcinoma. Review status: no classification provided. Collection method: in vitro. Allele origin: not applicable. Functional consequence: retained intron. Not counted in ClinVar's aggregate classification.

Literature cited by the submitters: PubMed 17576681 (cited by Labcorp Genetics (formerly Invitae), Labcorp); PubMed 9536098 (cited by Labcorp Genetics (formerly Invitae), Labcorp).

NM_032730.5(RTN4IP1):c.1083+5G>A

Gene: RTN4IP1 (reticulon 4 interacting protein 1; minus strand). Cytogenetic location: 6q21.
Variant type: single nucleotide variant.
Coding change: c.1083+5G>A on transcript NM_032730.5 (MANE Select); 5 bases into the intron after coding-DNA position 1083, G replaced by A.
Molecular consequence: intron variant.
Genome position (GRCh38, 1-based): chr6:106,583,323, C>T on the plus strand (G>A on the coding strand, the complement: RTN4IP1 is on the minus strand). VCF-style: chr6-106583323-C-T. GRCh37 (hg19) VCF-style: chr6-107031198-C-T.
Other names: c.783+5G>A (NM_001318746.1).
Identifiers: ClinVar variation 1014331 (VCV001014331.7), dbSNP rs752214513, ClinGen allele CA3944290.